The following is an entry in ClinVar:

NM_004260.4(RECQL4):c.1885_1888del (p.Arg629fs)

Gene: RECQL4 (RecQ like helicase 4; minus strand). Cytogenetic location: 8q24.3.
Variant type: Deletion.
Coding change: c.1885_1888del on transcript NM_004260.4 (MANE Select); coding-DNA positions 1885 to 1888, 4 bases deleted (CGGG; older notation c.1885_1888delCGGG).
Protein change: p.Arg629fs; shifts the reading frame from arginine 629.
Molecular consequence: frameshift variant.
Genome position (GRCh38, 1-based): chr8:144,514,098-144,514,101, CCCG deleted on the plus strand (CGGG on the coding strand, the reverse complement: RECQL4 is on the minus strand). VCF-style (leftmost placement, unchanged base first): chr8-144514097-TCCCG-T. GRCh37 (hg19) VCF-style: chr8-145739481-TCCCG-T.
Other names: c.1885_1888delCGGG (NM_004260.3); short protein forms R629fs.
Identifiers: ClinVar variation 56401 (VCV000056401.2), dbSNP rs386833846, ClinGen allele CA144328.
Genomic context (GRCh38, chr8:144,514,097, plus strand): 5'-CTGGCAGTGCGGCGTGTGGCTGTGGCTGTGAGGCCCAGGAAGCAGTGCACGCCCATGCGC[TCCCG>T]AAGCACCTGCACCAGAGGCGGCAGTGGTGTGAGGCCGCCCAGCCCATCCCGGCCCTGGCC-3'

ClinVar aggregate classification (germline): Likely pathogenic (0 of 4 stars; one submission).

Conditions:
Rapadilino syndrome. Identifiers: Orphanet 3021, MedGen C1849453, MONDO:0009955, OMIM 266280.

Submission:

Juha Muilu Group; Institute for Molecular Medicine Finland (FIMM)
Classification: Likely pathogenic for Rapadilino syndrome. Review status: no assertion criteria provided. Collection method: not provided. Allele origin: unknown.
Comment: FinDis database variant: This variant was not found or characterized by our laboratory, data were collected from public sources: see reference
ClinVar note: Converted during submission from probable-pathogenic to Likely pathogenic.